The following is an entry in ClinVar:

ClinVar aggregate classification (germline): Benign (0 of 4 stars; one submission).

Conditions:
ODAD2-related disorder. Also called: ODAD2-related condition.

Submission:

PreventionGenetics, part of Exact Sciences
Classification: Benign for ODAD2-related condition. Last evaluated: 2019-08-08. Review status: no assertion criteria provided. Collection method: clinical testing. Allele origin: germline.
Comment: This variant is classified as benign based on ACMG/AMP sequence variant interpretation guidelines (Richards et al. 2015 PMID: 25741868, with internal and published modifications).

NM_018076.5(ODAD2):c.3021+7232TTAT[10]

Gene: ODAD2 (outer dynein arm docking complex subunit 2; minus strand). Cytogenetic location: 10p12.1.
Variant type: Microsatellite.
Coding change: c.3021+7232TTAT[10] on transcript NM_018076.5 (MANE Select); ten copies in a row of the 4-base unit TTAT starting at c.3021+7232; the reference has seven copies in a row; three copies, 12 bases duplicated.
Molecular consequence: intron variant.
Genome position (GRCh38, 1-based): chr10:27,853,366-27,853,377, ATAAATAAATAA duplicated on the plus strand (TTATTTATTTAT on the coding strand, the reverse complement: ODAD2 is on the minus strand); duplicating any 12 consecutive bases within chr10:27,853,366-27,853,394 gives the same sequence; the position shown is the placement nearest the transcript's 3' end. VCF-style (leftmost placement, unchanged base first): chr10-27853365-T-TATAAATAAATAA. GRCh37 (hg19) VCF-style: chr10-28142294-T-TATAAATAAATAA.
Other names: c.3021+7232TTAT[10] (NM_001290020.2); c.2097+7232TTAT[10] (NM_001312689.2); c.1597-30TTAT[10] (NM_001290021.2).
Identifiers: ClinVar variation 3039546 (VCV003039546.2), dbSNP rs143299831, ClinGen allele CA5453017.